The following is an entry in ClinVar:

ClinVar aggregate classification (germline): Uncertain significance (1 of 4 stars; one submission).

Conditions:
Inborn genetic diseases. Identifiers: MedGen C0950123, MeSH D030342.

Submission:

Ambry Genetics
Classification: Uncertain significance for Inborn genetic diseases. Last evaluated: 2024-01-11. Review status: criteria provided, single submitter. Criteria: Ambry Variant Classification Scheme 2023. Collection method: clinical testing. Allele origin: germline.
Comment: The p.V302L variant (also known as c.904G>T), located in coding exon 8 of the EPAS1 gene, results from a G to T substitution at nucleotide position 904. The valine at codon 302 is replaced by leucine, an amino acid with highly similar properties. This amino acid position is conserved. In addition, this alteration is predicted to be tolerated by in silico analysis. Since supporting evidence is limited at this time, the clinical significance of this alteration remains unclear.

NM_001430.5(EPAS1):c.904G>T (p.Val302Leu)

Gene: EPAS1 (endothelial PAS domain protein 1; plus strand). Cytogenetic location: 2p21.
Variant type: single nucleotide variant.
Coding change: c.904G>T on transcript NM_001430.5 (MANE Select); coding-DNA position 904, G replaced by T.
Protein change: p.Val302Leu; replaces valine 302 with leucine.
Molecular consequence: missense variant.
Genome position (GRCh38, 1-based): chr2:46,375,707, G>T. VCF-style: chr2-46375707-G-T. GRCh37 (hg19) VCF-style: chr2-46602846-G-T.
Other names: short protein forms V302L.
Identifiers: ClinVar variation 3221681 (VCV003221681.1), dbSNP rs2103662252, ClinGen allele CA346702628.